The following is an entry in ClinVar:

NM_152564.5(VPS13B):c.9748C>G (p.Pro3250Ala)

Gene: VPS13B (vacuolar protein sorting 13 homolog B; plus strand). Cytogenetic location: 8q22.2.
Variant type: single nucleotide variant.
Coding change: c.9748C>G on transcript NM_152564.5 (MANE Select); coding-DNA position 9748, C replaced by G.
Protein change: p.Pro3250Ala; replaces proline 3250 with alanine.
Molecular consequence: missense variant.
Genome position (GRCh38, 1-based): chr8:99,835,544, C>G. VCF-style: chr8-99835544-C-G. GRCh37 (hg19) VCF-style: chr8-100847772-C-G.
Other names: c.9823C>G, p.Pro3275Ala (NM_017890.5); short protein forms P3250A, P3275A.
Identifiers: ClinVar variation 966425 (VCV000966425.7), dbSNP rs1295909129, ClinGen allele CA371783555.

ClinVar aggregate classification (germline): Uncertain significance (1 of 4 stars; one submission).

Conditions:
Cohen syndrome (COH1). Also called: Cutis verticis gyrata, retinitis pigmentosa, and sensorineural deafness; PEPPER SYNDROME. Identifiers: Orphanet 193, MedGen C0265223, MONDO:0008999, OMIM 216550.

Allele frequency attached by ClinVar (database versions not stated): gnomAD 0.00001; TOPMed 0.00002.

Submission:

Labcorp Genetics (formerly Invitae), Labcorp
Classification: Uncertain significance for Cohen syndrome. Last evaluated: 2022-07-06. Review status: criteria provided, single submitter. Criteria: Invitae Variant Classification Sherloc (09022015). Collection method: clinical testing. Allele origin: germline.
Comment: This sequence change replaces proline, which is neutral and non-polar, with alanine, which is neutral and non-polar, at codon 3275 of the VPS13B protein (p.Pro3275Ala). This variant is not present in population databases (gnomAD no frequency). This variant has not been reported in the literature in individuals affected with VPS13B-related conditions. ClinVar contains an entry for this variant (Variation ID: 966425). Algorithms developed to predict the effect of missense changes on protein structure and function are either unavailable or do not agree on the potential impact of this missense change (SIFT: "Not Available"; PolyPhen-2: "Possibly Damaging"; Align-GVGD: "Not Available"). In summary, the available evidence is currently insufficient to determine the role of this variant in disease. Therefore, it has been classified as a Variant of Uncertain Significance.